The following is an entry in ClinVar:

NM_002471.4(MYH6):c.531-19T>A

Genes: MYH6 (myosin heavy chain 6; minus strand), LOC114827851 (VISTA enhancer hs2155; plus strand). Cytogenetic location: 14q11.2.
Variant type: single nucleotide variant.
Coding change: c.531-19T>A on transcript NM_002471.4 (MANE Select); 19 bases into the intron before coding-DNA position 531, T replaced by A.
Molecular consequence: intron variant.
Genome position (GRCh38, 1-based): chr14:23,404,841, A>T on the plus strand (T>A on the coding strand, the complement: MYH6 is on the minus strand). VCF-style: chr14-23404841-A-T. GRCh37 (hg19) VCF-style: chr14-23874050-A-T.
Identifiers: ClinVar variation 513224 (VCV000513224.15), dbSNP rs374174532, ClinGen allele CA7116116.

ClinVar aggregate classification (germline): Benign/Likely benign. Review status: criteria provided, multiple submitters, no conflicts (2 of 4 stars). 7 submissions from 7 submitters: Benign (1); Likely benign (4). 2 of the submissions do not count toward it. Last evaluated 2026-01-19.

Conditions:
Hypertrophic cardiomyopathy 14. Identifiers: MedGen C2750467, MONDO:0013197, OMIM 613251.

Allele frequency attached by ClinVar (database versions not stated): gnomAD exomes 0.00007 and 0.00011; ExAC 0.00012; 1000 Genomes Project 30x 0.00016; 1000 Genomes Project 0.00020; ESP Exome Variant Server 0.00038; gnomAD 0.00043 and 0.00045; TOPMed 0.00049.
gnomAD v4.1: 170 of 1,607,092 alleles (0.011%); highest among the groups gnomAD compares: African/African-American, 0.15%; no homozygotes.

Submissions (7):

Labcorp Genetics (formerly Invitae), Labcorp
Classification: Likely benign for Hypertrophic cardiomyopathy 14. Last evaluated: 2026-01-19. Review status: criteria provided, single submitter. Criteria: Invitae Variant Classification Sherloc (09022015). Collection method: clinical testing. Allele origin: germline.

Blueprint Genetics
Classification: Likely benign. Last evaluated: 2024-11-25. Review status: criteria provided, single submitter. Criteria: ACMG Guidelines, 2015. Collection method: clinical testing. Allele origin: germline.

Women's Health and Genetics/Laboratory Corporation of America, LabCorp
Classification: Benign. Last evaluated: 2020-08-31. Review status: criteria provided, single submitter. Criteria: LabCorp Variant Classification Summary - May 2015. Collection method: clinical testing. Allele origin: germline.
Comment: Variant summary: MYH6 c.531-19T>A alters a non-conserved nucleotide located close to a canonical splice site and therefore could affect mRNA splicing, leading to a significantly altered protein sequence. Several computational tools predict a significant impact on normal splicing: One predicts the variant abolishes a 3 acceptor site. Two predict the variant weakens a 3 acceptor site. However, these predictions have yet to be confirmed by functional studies. The variant allele was found at a frequency of 0.00014 in 282696 control chromosomes, predominantly at a frequency of 0.001 within the African or African-American subpopulation in the gnomAD database. The observed variant frequency within African or African-American control individuals in the gnomAD database is approximately 40 fold of the estimated maximal expected allele frequency for a pathogenic variant in MYH6 causing Cardiomyopathy phenotype (2.5e-05), strongly suggesting that the variant is a benign polymorphism found primarily in populations of African or African-American origin. To our knowledge, no occurrence of c.531-19T>A in individuals affected with Cardiomyopathy and no experimental evidence demonstrating its impact on protein function have been reported. One ClinVar submitter (evaluation after 2014) cites the variant as likely benign. Based on the evidence outlined above, the variant was classified as benign.

GeneDx
Classification: Likely benign. Last evaluated: 2017-11-08. Review status: criteria provided, single submitter. Criteria: GeneDx Variant Classification (06012015). Collection method: clinical testing. Allele origin: germline. Affected: yes.
Comment: This variant is considered likely benign or benign based on one or more of the following criteria: it is a conservative change, it occurs at a poorly conserved position in the protein, it is predicted to be benign by multiple in silico algorithms, and/or has population frequency not consistent with disease.

Breakthrough Genomics
Classification: Likely benign. Review status: criteria provided, single submitter. Criteria: ACMG Guidelines, 2015. Collection method: not provided. Allele origin: germline. Inheritance: Autosomal dominant inheritance. Affected: yes.

Clinical Genetics, Academic Medical Center
Classification: Benign. Review status: no assertion criteria provided. Collection method: clinical testing. Allele origin: germline. Affected: yes. Study: VKGL Data-share Consensus. Not counted in ClinVar's aggregate classification.

Diagnostic Laboratory, Department of Genetics, University Medical Center Groningen
Classification: Likely benign. Review status: no assertion criteria provided. Collection method: clinical testing. Allele origin: germline. Affected: yes. Study: VKGL Data-share Consensus. Not counted in ClinVar's aggregate classification.